The following is an entry in ClinVar:

NM_004360.5(CDH1):c.2205G>C (p.Ala735=)

Gene: CDH1 (cadherin 1; plus strand). Cytogenetic location: 16q22.1.
Variant type: single nucleotide variant.
Coding change: c.2205G>C on transcript NM_004360.5 (MANE Select); coding-DNA position 2205, G replaced by C.
Protein change: p.Ala735=; no amino-acid change (alanine 735 retained).
Molecular consequence: synonymous variant.
Genome position (GRCh38, 1-based): chr16:68,828,214, G>C. VCF-style: chr16-68828214-G-C. GRCh37 (hg19) VCF-style: chr16-68862117-G-C.
Other names: c.2205G>C (LRG_301t1, NM_004360.4); c.2022G>C, p.Ala674= (NM_001317184.2); c.657G>C, p.Ala219= (NM_001317185.2); c.240G>C, p.Ala80= (NM_001317186.2).
Identifiers: ClinVar variation 414056 (VCV000414056.21), dbSNP rs138493551, ClinGen allele CA8130228.
Genomic context (GRCh38, chr16:68,828,214, plus strand): 5'-TGTCTCCCCCACCATCCCAGTTCTGATTCTGCTGCTCTTGCTGTTTCTTCGGAGGAGAGC[G>C]GTGGTCAAAGAGCCCTTACTGCCCCCAGAGGATGACACCCGGGACAACGTTTATTACTAT-3'
Protein context (NP_004351.1, residues 725-745): LLLLLFLRRR[Ala735=]VVKEPLLPPE

ClinVar aggregate classification (germline): Benign/Likely benign. Review status: criteria provided, multiple submitters, no conflicts (2 of 4 stars). 6 submissions from 6 submitters: Benign (1); Likely benign (5). Last evaluated 2026-01-13.

Conditions:
Hereditary cancer-predisposing syndrome. Also called: Tumor predisposition; Neoplastic Syndromes, Hereditary; Hereditary Cancer Syndrome; Hereditary neoplastic syndrome. Identifiers: Orphanet 140162, MedGen C0027672, MeSH D009386, MONDO:0015356.
Hereditary diffuse gastric adenocarcinoma (HDGC). Also called: DIFFUSE GASTRIC AND LOBULAR BREAST CANCER SYNDROME. Identifiers: Orphanet 26106, MedGen C1708349, MONDO:0007648, OMIM 137215.

Allele frequency attached by ClinVar (database versions not stated): TOPMed 0.00001; 1000 Genomes Project 30x 0.00016; 1000 Genomes Project 0.00020.
gnomAD v4.1: 18 of 1,613,972 alleles (0.0011%); highest among the groups gnomAD compares: African/African-American, 0.011%; no homozygotes.

Submissions (6):

Labcorp Genetics (formerly Invitae), Labcorp
Classification: Likely benign for Hereditary diffuse gastric adenocarcinoma. Last evaluated: 2026-01-13. Review status: criteria provided, single submitter. Criteria: Invitae Variant Classification Sherloc (09022015). Collection method: clinical testing. Allele origin: germline.

Quest Diagnostics Nichols Institute San Juan Capistrano
Classification: Likely benign. Last evaluated: 2025-02-14. Review status: criteria provided, single submitter. Criteria: Quest Diagnostics criteria. Collection method: clinical testing. Allele origin: unknown.

Myriad Genetics, Inc.
Classification: Benign for Hereditary diffuse gastric adenocarcinoma. Last evaluated: 2024-09-20. Review status: criteria provided, single submitter. Criteria: Myriad Autosomal Dominant, Autosomal Recessive and X-Linked Classification Criteria (2023). Collection method: clinical testing. Allele origin: unknown.
Comment: This variant is considered benign. This variant is a silent/synonymous amino acid change and it is not expected to impact splicing.

Sema4
Classification: Likely benign for Hereditary cancer-predisposing syndrome. Last evaluated: 2022-03-18. Review status: criteria provided, single submitter. Criteria: Sema4 Curation Guidelines. Collection method: curation. Allele origin: germline.

Women's Health and Genetics/Laboratory Corporation of America, LabCorp
Classification: Likely benign. Last evaluated: 2019-08-28. Review status: criteria provided, single submitter. Criteria: LabCorp Variant Classification Summary - May 2015. Collection method: clinical testing. Allele origin: germline.

Ambry Genetics
Classification: Likely benign for Hereditary cancer-predisposing syndrome. Last evaluated: 2017-03-31. Review status: criteria provided, single submitter. Criteria: Ambry Variant Classification Scheme 2023. Collection method: clinical testing. Allele origin: germline.